The following is an entry in ClinVar:

ClinVar aggregate classification (germline): Uncertain significance (1 of 4 stars; one submission).

Submission:

Labcorp Genetics (formerly Invitae), Labcorp
Classification: Uncertain significance. Last evaluated: 2025-07-03. Review status: criteria provided, single submitter. Criteria: Invitae Variant Classification Sherloc (09022015). Collection method: clinical testing. Allele origin: germline.
Comment: This sequence change creates a premature translational stop signal (p.Glu294Glyfs*14) in the TFRC gene. It is expected to result in an absent or disrupted protein product. However, the current clinical and genetic evidence is not sufficient to establish whether loss-of-function variants in TFRC cause disease. This variant is not present in population databases (gnomAD no frequency). This variant has not been reported in the literature in individuals affected with TFRC-related conditions. In summary, the available evidence is currently insufficient to determine the role of this variant in disease. Therefore, it has been classified as a Variant of Uncertain Significance.

NM_001128148.3(TFRC):c.880dup (p.Glu294fs)

Gene: TFRC (transferrin receptor; minus strand). Cytogenetic location: 3q29.
Variant type: Duplication.
Coding change: c.880dup on transcript NM_001128148.3 (MANE Select); coding-DNA position 880, one base duplicated (G; older notation c.880dupG).
Protein change: p.Glu294fs; shifts the reading frame from glutamic acid 294.
Molecular consequence: frameshift variant.
Genome position (GRCh38, 1-based): chr3:196,068,052, C duplicated on the plus strand (G on the coding strand, the reverse complement: TFRC is on the minus strand). VCF-style (leftmost placement, unchanged base first): chr3-196068051-T-TC. GRCh37 (hg19) VCF-style: chr3-195794922-T-TC.
Other names: c.637dup, p.Glu213fs (NM_001313965.2); c.34dup, p.Glu12fs (NM_001313966.2); c.880dup, p.Glu294fs (NM_003234.4); short protein forms E213fs, E12fs, E294fs.
Identifiers: ClinVar variation 4762029 (VCV004762029.1).